The following is an entry in ClinVar:

NM_001069.3(TUBB2A):c.1252C>G (p.Leu418Val)

Gene: TUBB2A (tubulin beta 2A class IIa; minus strand). Cytogenetic location: 6p25.2.
Variant type: single nucleotide variant.
Coding change: c.1252C>G on transcript NM_001069.3 (MANE Select); coding-DNA position 1252, C replaced by G.
Protein change: p.Leu418Val; replaces leucine 418 with valine.
Molecular consequence: missense variant.
Genome position (GRCh38, 1-based): chr6:3,153,949, G>C on the plus strand (C>G on the coding strand, the complement: TUBB2A is on the minus strand). VCF-style: chr6-3153949-G-C. GRCh37 (hg19) VCF-style: chr6-3154183-G-C.
Other names: c.997C>G, p.Leu333Val (NM_001310315.2); c.1252C>G (NM_001069.2); short protein forms L333V, L418V.
Identifiers: ClinVar variation 3653511 (VCV003653511.4).

ClinVar aggregate classification (germline): Uncertain significance. Review status: criteria provided, multiple submitters, no conflicts (2 of 4 stars). 2 submissions from 2 submitters: Uncertain significance (2). Last evaluated 2026-10-14.

Submissions (2):

GeneDx
Classification: Uncertain significance. Last evaluated: 2026-10-14. Review status: criteria provided, single submitter. Criteria: GeneDx Variant Classification Process June 2021. Collection method: clinical testing. Allele origin: germline.
Comment: Not observed at significant frequency in large population cohorts (gnomAD); In silico analysis suggests that this missense variant does not alter protein structure/function; Has not been previously published as pathogenic or benign to our knowledge

Labcorp Genetics (formerly Invitae), Labcorp
Classification: Uncertain significance. Last evaluated: 2024-07-17. Review status: criteria provided, single submitter. Criteria: Invitae Variant Classification Sherloc (09022015). Collection method: clinical testing. Allele origin: germline.
Comment: This sequence change replaces leucine, which is neutral and non-polar, with valine, which is neutral and non-polar, at codon 418 of the TUBB2A protein (p.Leu418Val). This variant is not present in population databases (gnomAD no frequency). This variant has not been reported in the literature in individuals affected with TUBB2A-related conditions. Advanced modeling of protein sequence and biophysical properties (such as structural, functional, and spatial information, amino acid conservation, physicochemical variation, residue mobility, and thermodynamic stability) performed at Invitae indicates that this missense variant is expected to disrupt TUBB2A protein function with a positive predictive value of 80%. In summary, the available evidence is currently insufficient to determine the role of this variant in disease. Therefore, it has been classified as a Variant of Uncertain Significance.